The following is an entry in ClinVar:

ClinVar aggregate classification (germline): Uncertain significance (1 of 4 stars; one submission).

Conditions:
LAMA2-related muscular dystrophy (LAMA2-RD). Also called: Laminin alpha 2-related dystrophy. Identifiers: MedGen C5679788, MONDO:0100228.

Submission:

Labcorp Genetics (formerly Invitae), Labcorp
Classification: Uncertain significance for LAMA2-related muscular dystrophy. Last evaluated: 2022-03-02. Review status: criteria provided, single submitter. Criteria: Invitae Variant Classification Sherloc (09022015). Collection method: clinical testing. Allele origin: germline.
Comment: In summary, the available evidence is currently insufficient to determine the role of this variant in disease. Therefore, it has been classified as a Variant of Uncertain Significance. Advanced modeling of protein sequence and biophysical properties (such as structural, functional, and spatial information, amino acid conservation, physicochemical variation, residue mobility, and thermodynamic stability) performed at Invitae indicates that this missense variant is not expected to disrupt LAMA2 protein function. This variant has not been reported in the literature in individuals affected with LAMA2-related conditions. This variant is not present in population databases (gnomAD no frequency). This sequence change replaces valine, which is neutral and non-polar, with glycine, which is neutral and non-polar, at codon 3114 of the LAMA2 protein (p.Val3114Gly).

NM_000426.4(LAMA2):c.9341T>G (p.Val3114Gly)

Gene: LAMA2 (laminin subunit alpha 2; plus strand). Cytogenetic location: 6q22.33.
Variant type: single nucleotide variant.
Coding change: c.9341T>G on transcript NM_000426.4 (MANE Select); coding-DNA position 9341, T replaced by G.
Protein change: p.Val3114Gly; replaces valine 3114 with glycine.
Molecular consequence: missense variant.
Genome position (GRCh38, 1-based): chr6:129,516,319, T>G. VCF-style: chr6-129516319-T-G. GRCh37 (hg19) VCF-style: chr6-129837464-T-G.
Other names: c.9329T>G, p.Val3110Gly (NM_001079823.2); short protein forms V3114G, V3110G.
Identifiers: ClinVar variation 1939184 (VCV001939184.5), dbSNP rs2533609351, ClinGen allele CA365637490.